The following is an entry in ClinVar:

NM_001018113.3(FANCB):c.1393T>C (p.Ser465Pro)

Gene: FANCB (FA complementation group B; minus strand). Cytogenetic location: Xp22.2.
Variant type: single nucleotide variant.
Coding change: c.1393T>C on transcript NM_001018113.3 (MANE Select); coding-DNA position 1393, T replaced by C.
Protein change: p.Ser465Pro; replaces serine 465 with proline.
Molecular consequence: missense variant.
Genome position (GRCh38, 1-based): chrX:14,850,608, A>G on the plus strand (T>C on the coding strand, the complement: FANCB is on the minus strand). VCF-style: chrX-14850608-A-G. GRCh37 (hg19) VCF-style: chrX-14868730-A-G.
Other names: c.1393T>C (NM_001018113.2); c.1393T>C, p.Ser465Pro (NM_001324162.2, NM_152633.4); short protein forms S465P.
Identifiers: ClinVar variation 526453 (VCV000526453.13), dbSNP rs143976596, ClinGen allele CA10353051.

ClinVar aggregate classification (germline): Benign/Likely benign. Review status: criteria provided, multiple submitters, no conflicts (2 of 4 stars). 5 submissions from 5 submitters: Benign (1); Likely benign (4). Last evaluated 2026-01-28.

Conditions:
Inborn genetic diseases. Identifiers: MedGen C0950123, MeSH D030342.
FANCB-related disorder. Also called: FANCB-related condition.
Fanconi anemia (FA). Also called: Fanconi's anemia. Identifiers: Orphanet 84, MedGen C0015625, MeSH D005199, MONDO:0019391.
Fanconi anemia complementation group B (FANCB). Also called: FANCB-Related Fanconi Anemia; FANCONI PANCYTOPENIA, TYPE 2. Identifiers: Orphanet 84, MedGen C1845292, MONDO:0010351, OMIM 300514.
VACTERL association, X-linked, with or without hydrocephalus (VACTERLX). Also called: VACTERL Association with Hydrocephalus, X-linked; X-linked VACTERL-H syndrome; VACTERL-H, X-LINKED; VACTERL ASSOCIATION, X-LINKED. Identifiers: Orphanet 3412, MedGen C2931228, MONDO:0010752, OMIM 314390.

Allele frequency attached by ClinVar (database versions not stated): 1000 Genomes Project 0.00053; 1000 Genomes Project 30x 0.00062; ESP Exome Variant Server 0.00009; gnomAD exomes 0.00012; ExAC 0.00014; gnomAD 0.00035 and 0.00038; TOPMed 0.00052.
gnomAD v4.1: 87 of 1,183,603 alleles (0.0074%); highest among the groups gnomAD compares: African/African-American, 0.11%; no homozygotes.

Submissions (5):

Labcorp Genetics (formerly Invitae), Labcorp
Classification: Benign for Fanconi anemia. Last evaluated: 2026-01-28. Review status: criteria provided, single submitter. Criteria: Invitae Variant Classification Sherloc (09022015). Collection method: clinical testing. Allele origin: germline.

PreventionGenetics, part of Exact Sciences
Classification: Likely benign for FANCB-related condition. Last evaluated: 2025-04-30. Review status: criteria provided, single submitter. Criteria: ACMG Guidelines, 2015. Collection method: clinical testing. Allele origin: germline.
Comment: This variant is classified as likely benign based on ACMG/AMP sequence variant interpretation guidelines (Richards et al. 2015 PMID: 25741868, with internal and published modifications).

Blueprint Genetics
Classification: Likely benign. Last evaluated: 2024-02-19. Review status: criteria provided, single submitter. Criteria: ACMG Guidelines, 2015. Collection method: clinical testing. Allele origin: germline.

Ambry Genetics
Classification: Likely benign for Inborn genetic diseases. Last evaluated: 2022-08-17. Review status: criteria provided, single submitter. Criteria: Ambry Variant Classification Scheme 2023. Collection method: clinical testing. Allele origin: germline.

Fulgent Genetics
Classification: Likely benign for Fanconi anemia complementation group B; VACTERL association, X-linked, with or without hydrocephalus. Last evaluated: 2021-12-01. Review status: criteria provided, single submitter. Criteria: ACMG Guidelines, 2015. Collection method: clinical testing. Allele origin: unknown.